The following is an entry in ClinVar:

ClinVar aggregate classification (germline): Uncertain significance. Review status: criteria provided, multiple submitters, no conflicts (2 of 4 stars). 2 submissions from 2 submitters: Uncertain significance (2). Last evaluated 2024-09-18.

Conditions:
Familial focal epilepsy with variable foci (FPEVF). Identifiers: Orphanet 98820, MedGen C1858477, MONDO:0020310.

Allele frequency attached by ClinVar (database versions not stated): gnomAD 0.00001.
gnomAD v4.1: 2 of 1,614,090 alleles (0.00012%); highest among the groups gnomAD compares: African/African-American, 0.0013%; no homozygotes.

Submissions (2):

GeneDx
Classification: Uncertain significance. Last evaluated: 2024-09-18. Review status: criteria provided, single submitter. Criteria: GeneDx Variant Classification Process June 2021. Collection method: clinical testing. Allele origin: germline. Affected: yes.
Comment: Not observed at significant frequency in large population cohorts (gnomAD); In silico analysis supports that this missense variant has a deleterious effect on protein structure/function; Has not been previously published as pathogenic or benign to our knowledge

Labcorp Genetics (formerly Invitae), Labcorp
Classification: Uncertain significance for Familial focal epilepsy with variable foci. Last evaluated: 2022-02-10. Review status: criteria provided, single submitter. Criteria: Invitae Variant Classification Sherloc (09022015). Collection method: clinical testing. Allele origin: germline.
Comment: In summary, the available evidence is currently insufficient to determine the role of this variant in disease. Therefore, it has been classified as a Variant of Uncertain Significance. Algorithms developed to predict the effect of missense changes on protein structure and function are either unavailable or do not agree on the potential impact of this missense change (SIFT: "Deleterious"; PolyPhen-2: "Not Available"; Align-GVGD: "Class C65"). ClinVar contains an entry for this variant (Variation ID: 847378). This variant has not been reported in the literature in individuals affected with DEPDC5-related conditions. This variant is not present in population databases (gnomAD no frequency). This sequence change replaces proline, which is neutral and non-polar, with serine, which is neutral and polar, at codon 761 of the DEPDC5 protein (p.Pro761Ser).

NM_001242896.3(DEPDC5):c.2281C>T (p.Pro761Ser)

Gene: DEPDC5 (DEP domain containing 5, GATOR1 subcomplex subunit; plus strand). Cytogenetic location: 22q12.3.
Variant type: single nucleotide variant.
Coding change: c.2281C>T on transcript NM_001242896.3 (MANE Select); coding-DNA position 2281, C replaced by T.
Protein change: p.Pro761Ser; replaces proline 761 with serine.
Molecular consequence: missense variant. On other transcripts: non-coding transcript variant (4).
Genome position (GRCh38, 1-based): chr22:31,837,082, C>T. VCF-style: chr22-31837082-C-T. GRCh37 (hg19) VCF-style: chr22-32233068-C-T.
Other names: c.2254C>T, p.Pro752Ser (NM_001136029.4, NM_001369903.1, NM_014662.6); c.2047C>T, p.Pro683Ser (NM_001242897.2, NM_001363854.2, NM_001364319.2); c.2281C>T, p.Pro761Ser (NM_001363852.2, NM_001364318.2, NM_001364320.2); c.2197C>T, p.Pro733Ser (NM_001369901.1, NM_001369902.1); short protein forms P733S, P752S, P761S, P683S.
Identifiers: ClinVar variation 847378 (VCV000847378.10), dbSNP rs2091060364, ClinGen allele CA411285518.